The following is an entry in ClinVar:

ClinVar aggregate classification (germline): Uncertain significance. Review status: criteria provided, multiple submitters, no conflicts (2 of 4 stars). 3 submissions from 3 submitters: Uncertain significance (3). Last evaluated 2026-02-23.

Conditions:
Pancreatic cancer, susceptibility to, 3. Identifiers: Orphanet 1333, MedGen C3150547, MONDO:0013236, OMIM 613348.
Fanconi anemia complementation group N. Also called: PALB2-Related Fanconi Anemia. Identifiers: Orphanet 84, MedGen C1835817, MONDO:0012565, OMIM 610832. Disease mechanism: loss of function.
Breast-ovarian cancer, familial, susceptibility to, 5 (BROVCA5). Identifiers: MedGen C5830615, MONDO:0957530, OMIM 620442.
Hereditary cancer-predisposing syndrome. Also called: Tumor predisposition; Hereditary Cancer Syndrome; Hereditary neoplastic syndrome; Neoplastic Syndromes, Hereditary. Identifiers: Orphanet 140162, MedGen C0027672, MeSH D009386, MONDO:0015356.
Familial cancer of breast. Also called: Hereditary breast cancer; BREAST CANCER, FAMILIAL; hereditary breast carcinoma. Identifiers: Orphanet 227535, MedGen C0346153, MONDO:0016419, OMIM 114480. Disease mechanism: loss of function.

gnomAD v4.1: 2 of 1,613,762 alleles (0.00012%); highest among the groups gnomAD compares: South Asian, 0.0011%; no homozygotes.

Submissions (3):

Ambry Genetics
Classification: Uncertain significance for Hereditary cancer-predisposing syndrome. Last evaluated: 2026-02-23. Review status: criteria provided, single submitter. Criteria: Ambry Variant Classification Scheme 2023. Collection method: clinical testing. Allele origin: germline.
Comment: The p.D62Y variant (also known as c.184G>T), located in coding exon 3 of the PALB2 gene, results from a G to T substitution at nucleotide position 184. The aspartic acid at codon 62 is replaced by tyrosine, an amino acid with highly dissimilar properties. This amino acid position is conserved. In addition, this alteration is predicted to be tolerated by in silico analysis. Based on the available evidence, the clinical significance of this variant remains unclear.

Fulgent Genetics
Classification: Uncertain significance for Fanconi anemia complementation group N; Pancreatic cancer, susceptibility to, 3; Breast-ovarian cancer, familial, susceptibility to, 5. Last evaluated: 2024-02-28. Review status: criteria provided, single submitter. Criteria: ACMG Guidelines, 2015. Collection method: clinical testing. Allele origin: germline.

Labcorp Genetics (formerly Invitae), Labcorp
Classification: Uncertain significance for Familial cancer of breast. Last evaluated: 2023-09-17. Review status: criteria provided, single submitter. Criteria: Invitae Variant Classification Sherloc (09022015). Collection method: clinical testing. Allele origin: germline.
Comment: In summary, the available evidence is currently insufficient to determine the role of this variant in disease. Therefore, it has been classified as a Variant of Uncertain Significance. This sequence change replaces aspartic acid, which is acidic and polar, with tyrosine, which is neutral and polar, at codon 62 of the PALB2 protein (p.Asp62Tyr). This variant is not present in population databases (gnomAD no frequency). This variant has not been reported in the literature in individuals affected with PALB2-related conditions. An algorithm developed to predict the effect of missense changes on protein structure and function (PolyPhen-2) suggests that this variant is likely to be tolerated.

NM_024675.4(PALB2):c.184G>T (p.Asp62Tyr)

Gene: PALB2 (partner and localizer of BRCA2; minus strand). Cytogenetic location: 16p12.2.
Variant type: single nucleotide variant.
Coding change: c.184G>T on transcript NM_024675.4 (MANE Select); coding-DNA position 184, G replaced by T.
Protein change: p.Asp62Tyr; replaces aspartic acid 62 with tyrosine.
Molecular consequence: missense variant. On other transcripts: 5 prime UTR variant (8), intron variant (3).
Genome position (GRCh38, 1-based): chr16:23,637,877, C>A on the plus strand (G>T on the coding strand, the complement: PALB2 is on the minus strand). VCF-style: chr16-23637877-C-A. GRCh37 (hg19) VCF-style: chr16-23649198-C-A.
Other names: c.124G>T, p.Asp42Tyr (NM_001407296.1); c.184G>T, p.Asp62Tyr (NM_001407297.1, NM_001407298.1, NM_001407299.1 and 3 more transcripts); c.-702G>T (NM_001407304.1, NM_001407305.1, NM_001407306.1 and 5 more transcripts); c.48+3233G>T (NM_001407314.1); c.-105+3233G>T (NM_001407313.1, NM_001407312.1); short protein forms D62Y, D42Y.
Identifiers: ClinVar variation 2761273 (VCV002761273.5), dbSNP rs1967100410, ClinGen allele CA395139068.